The following is an entry in ClinVar:

ClinVar aggregate classification (germline): Uncertain significance (1 of 4 stars; one submission).

Submission:

GeneDx
Classification: Uncertain significance. Last evaluated: 2024-09-10. Review status: criteria provided, single submitter. Criteria: GeneDx Variant Classification Process June 2021. Collection method: clinical testing. Allele origin: germline. Affected: yes.
Comment: Not observed at significant frequency in large population cohorts (gnomAD); In silico analysis supports that this missense variant has a deleterious effect on protein structure/function; Has not been previously published as pathogenic or benign to our knowledge

NM_000240.4(MAOA):c.597G>T (p.Lys199Asn)

Gene: MAOA (monoamine oxidase A; plus strand). Cytogenetic location: Xp11.3.
Variant type: single nucleotide variant.
Coding change: c.597G>T on transcript NM_000240.4 (MANE Select); coding-DNA position 597, G replaced by T.
Protein change: p.Lys199Asn; replaces lysine 199 with asparagine.
Molecular consequence: missense variant.
Genome position (GRCh38, 1-based): chrX:43,728,266, G>T. VCF-style: chrX-43728266-G-T. GRCh37 (hg19) VCF-style: chrX-43587513-G-T.
Other names: c.198G>T, p.Lys66Asn (NM_001270458.2); short protein forms K199N, K66N.
Identifiers: ClinVar variation 3767502 (VCV003767502.1).